The following is an entry in ClinVar:

NM_000051.4(ATM):c.2619A>G (p.Gly873=)

Gene: ATM (ATM serine/threonine kinase; plus strand). Cytogenetic location: 11q22.3.
Variant type: single nucleotide variant.
Coding change: c.2619A>G on transcript NM_000051.4 (MANE Select); coding-DNA position 2619, A replaced by G.
Protein change: p.Gly873=; no amino-acid change (glycine 873 retained).
Molecular consequence: synonymous variant.
Genome position (GRCh38, 1-based): chr11:108,267,323, A>G. VCF-style: chr11-108267323-A-G. GRCh37 (hg19) VCF-style: chr11-108138050-A-G.
Other names: c.2619A>G, p.Gly873= (NM_001351834.2).
Identifiers: ClinVar variation 231963 (VCV000231963.19), dbSNP rs777979257, ClinGen allele CA6265068.

ClinVar aggregate classification (germline): Benign/Likely benign. Review status: criteria provided, multiple submitters, no conflicts (2 of 4 stars). 4 submissions from 4 submitters: Benign (1); Likely benign (3). Last evaluated 2025-09-13.

Conditions:
Hereditary cancer-predisposing syndrome. Also called: Hereditary Cancer Syndrome; Neoplastic Syndromes, Hereditary; Tumor predisposition; Hereditary neoplastic syndrome. Identifiers: Orphanet 140162, MedGen C0027672, MeSH D009386, MONDO:0015356.
Familial cancer of breast. Also called: Hereditary breast cancer; hereditary breast carcinoma; BREAST CANCER, FAMILIAL. Identifiers: Orphanet 227535, MedGen C0346153, MONDO:0016419, OMIM 114480. Disease mechanism: loss of function.
Ataxia-telangiectasia syndrome (AT). Also called: Ataxia telangiectasia (A-T); Ataxia-telangiectasia, complementation group E; LOUIS-BAR SYNDROME; Cerebello-oculocutaneous telangiectasia; Immunodeficiency with ataxia telangiectasia; Ataxia-telangiectasia, complementation group D. Identifiers: Orphanet 100, MedGen C0004135, MONDO:0008840, OMIM 208900.

Allele frequency attached by ClinVar (database versions not stated): gnomAD exomes 0.00001 and 0.00002; TOPMed 0.00003; ExAC 0.00002.
gnomAD v4.1: 6 of 1,614,054 alleles (0.00037%); highest among the groups gnomAD compares: Admixed American, 0.005%; no homozygotes.

Submissions (4):

Labcorp Genetics (formerly Invitae), Labcorp
Classification: Likely benign for Ataxia-telangiectasia syndrome. Last evaluated: 2025-09-13. Review status: criteria provided, single submitter. Criteria: Invitae Variant Classification Sherloc (09022015). Collection method: clinical testing. Allele origin: germline.

Myriad Genetics, Inc.
Classification: Benign for Familial cancer of breast. Last evaluated: 2024-05-09. Review status: criteria provided, single submitter. Criteria: Myriad Autosomal Dominant, Autosomal Recessive and X-Linked Classification Criteria (2023). Collection method: clinical testing. Allele origin: unknown.
Comment: This variant is considered benign. This variant is a silent/synonymous amino acid change and it is not expected to impact splicing.

Color Diagnostics, LLC DBA Color Health
Classification: Likely benign for Hereditary cancer-predisposing syndrome. Last evaluated: 2020-12-02. Review status: criteria provided, single submitter. Criteria: ACMG Guidelines, 2015. Collection method: clinical testing. Allele origin: germline.

Ambry Genetics
Classification: Likely benign for Hereditary cancer-predisposing syndrome. Last evaluated: 2015-05-20. Review status: criteria provided, single submitter. Criteria: Ambry Variant Classification Scheme 2023. Collection method: clinical testing. Allele origin: germline.